The following is an entry in ClinVar:

ClinVar aggregate classification (germline): Uncertain significance (1 of 4 stars; one submission).

Conditions:
Hereditary breast ovarian cancer syndrome. Also called: Hereditary breast and ovarian cancer syndrome; Hereditary breast and ovarian cancer syndrome (HBOC); BRCA1- and BRCA2-Associated Hereditary Breast and Ovarian Cancer; Hereditary breast and ovarian cancer; Breast and ovarian cancer; Hereditary breast and/or ovarian cancer syndrome. Identifiers: Orphanet 145, MedGen C0677776, MeSH D061325, MONDO:0003582. Disease mechanism: loss of function.

Submission:

Labcorp Genetics (formerly Invitae), Labcorp
Classification: Uncertain significance for Hereditary breast ovarian cancer syndrome. Last evaluated: 2024-06-02. Review status: criteria provided, single submitter. Criteria: Invitae Variant Classification Sherloc (09022015). Collection method: clinical testing. Allele origin: germline.
Comment: This sequence change replaces aspartic acid, which is acidic and polar, with tyrosine, which is neutral and polar, at codon 104 of the BRCA2 protein (p.Asp104Tyr). This variant is not present in population databases (gnomAD no frequency). This variant has not been reported in the literature in individuals affected with BRCA2-related conditions. Advanced modeling of protein sequence and biophysical properties (such as structural, functional, and spatial information, amino acid conservation, physicochemical variation, residue mobility, and thermodynamic stability) performed at Invitae indicates that this missense variant is not expected to disrupt BRCA2 protein function with a negative predictive value of 95%. In summary, the available evidence is currently insufficient to determine the role of this variant in disease. Therefore, it has been classified as a Variant of Uncertain Significance.

NM_000059.4(BRCA2):c.310G>T (p.Asp104Tyr)

Gene: BRCA2 (BRCA2 DNA repair associated; plus strand). Cytogenetic location: 13q13.1.
Variant type: single nucleotide variant.
Coding change: c.310G>T on transcript NM_000059.4 (MANE Select); coding-DNA position 310, G replaced by T.
Protein change: p.Asp104Tyr; replaces aspartic acid 104 with tyrosine.
Molecular consequence: missense variant. On other transcripts: 5 prime UTR variant (1), non-coding transcript variant (1).
Genome position (GRCh38, 1-based): chr13:32,319,319, G>T. VCF-style: chr13-32319319-G-T. GRCh37 (hg19) VCF-style: chr13-32893456-G-T.
Other names: c.310G>T, p.Asp104Tyr (NM_001406719.1, NM_001406720.1, NM_001406721.1 and 1 more transcripts); c.-60G>T (NM_001406722.1); short protein forms D104Y.
Identifiers: ClinVar variation 3636407 (VCV003636407.2).